The following is an entry in ClinVar:

ClinVar aggregate classification (germline): Uncertain significance (1 of 4 stars; one submission).

gnomAD v4.1: 16 of 1,614,168 alleles (0.00099%); highest among the groups gnomAD compares: Admixed American, 0.0067%; no homozygotes.

Submission:

GeneDx
Classification: Uncertain significance. Last evaluated: 2026-04-16. Review status: criteria provided, single submitter. Criteria: GeneDx Variant Classification Process June 2021. Collection method: clinical testing. Allele origin: germline.
Comment: Not observed at significant frequency in large population cohorts (gnomAD); In silico analysis supports that this missense variant has a deleterious effect on protein structure/function; Has not been previously published as pathogenic or benign to our knowledge

NM_025150.5(TARS2):c.1102T>C (p.Trp368Arg)

Gene: TARS2 (threonyl-tRNA synthetase 2, mitochondrial; plus strand). Cytogenetic location: 1q21.2.
Variant type: single nucleotide variant.
Coding change: c.1102T>C on transcript NM_025150.5 (MANE Select); coding-DNA position 1102, T replaced by C.
Protein change: p.Trp368Arg; replaces tryptophan 368 with arginine.
Molecular consequence: missense variant. On other transcripts: non-coding transcript variant (2).
Genome position (GRCh38, 1-based): chr1:150,497,611, T>C. VCF-style: chr1-150497611-T-C. GRCh37 (hg19) VCF-style: chr1-150470087-T-C.
Other names: c.856T>C, p.Trp286Arg (NM_001271895.2); c.712T>C, p.Trp238Arg (NM_001271896.2); short protein forms W238R, W286R, W368R.
Identifiers: ClinVar variation 5037753 (VCV005037753.1).